The following is an entry in ClinVar:

NM_001256715.2(DNAAF3):c.510A>G (p.Val170=)

Genes: DNAAF3 (dynein axonemal assembly factor 3; minus strand), DNAAF3-AS1 (DNAAF3 antisense RNA 1; plus strand). Cytogenetic location: 19q13.42.
Variant type: single nucleotide variant.
Coding change: c.510A>G on transcript NM_001256715.2 (MANE Select); coding-DNA position 510, A replaced by G.
Protein change: p.Val170=; no amino-acid change (valine 170 retained).
Molecular consequence: synonymous variant.
Genome position (GRCh38, 1-based): chr19:55,161,796, T>C on the plus strand (A>G on the coding strand, the complement: DNAAF3 is on the minus strand). VCF-style: chr19-55161796-T-C. GRCh37 (hg19) VCF-style: chr19-55673164-T-C.
Other names: p.Val238=; c.348A>G, p.Val116= (NM_001256716.2); c.651A>G, p.Val217= (NM_178837.4); c.714A>G, p.Val238= (NM_001256714.1).
Identifiers: ClinVar variation 257689 (VCV000257689.28), dbSNP rs56726774, ClinGen allele CA9668133.

ClinVar aggregate classification (germline): Benign/Likely benign. Review status: criteria provided, multiple submitters, no conflicts (2 of 4 stars). 9 submissions from 9 submitters: Benign (7); Likely benign (2). Last evaluated 2026-02-04.

Conditions:
Primary ciliary dyskinesia. Also called: Ciliary dyskinesia. Identifiers: Orphanet 244, MedGen C0008780, MONDO:0016575, HP:0012265.

Allele frequency attached by ClinVar (database versions not stated): ESP Exome Variant Server 0.03226; gnomAD exomes 0.04541 and 0.12614; gnomAD 0.06016 and 0.06586; TOPMed 0.08092; 1000 Genomes Project 30x 0.13070; 1000 Genomes Project 0.13159; ExAC 0.14546.
gnomAD v4.1: 70,947 of 1,480,518 alleles (4.8%); highest among the groups gnomAD compares: Admixed American, 29%; 4,788 homozygotes.

Submissions (9):

Labcorp Genetics (formerly Invitae), Labcorp
Classification: Benign for Primary ciliary dyskinesia. Last evaluated: 2026-02-04. Review status: criteria provided, single submitter. Criteria: Invitae Variant Classification Sherloc (09022015). Collection method: clinical testing. Allele origin: germline.

Blueprint Genetics
Classification: Likely benign. Last evaluated: 2024-11-28. Review status: criteria provided, single submitter. Criteria: ACMG Guidelines, 2015. Collection method: clinical testing. Allele origin: germline.

Mayo Clinic Laboratories, Mayo Clinic
Classification: Benign. Last evaluated: 2022-04-26. Review status: criteria provided, single submitter. Criteria: ACMG Guidelines, 2015. Collection method: clinical testing. Allele origin: germline. Observed: 26 variant alleles.

GeneDx
Classification: Benign. Last evaluated: 2018-07-05. Review status: criteria provided, single submitter. Criteria: GeneDx Variant Classification Process June 2021. Collection method: clinical testing. Allele origin: germline. Affected: yes.

Ambry Genetics
Classification: Benign for Primary ciliary dyskinesia. Last evaluated: 2016-07-08. Review status: criteria provided, single submitter. Criteria: Ambry Variant Classification Scheme 2023. Collection method: clinical testing. Allele origin: germline.

Laboratory for Molecular Medicine, Mass General Brigham Personalized Medicine
Classification: Benign. Last evaluated: 2016-03-28. Review status: criteria provided, single submitter. Criteria: LMM Criteria. Collection method: clinical testing. Allele origin: germline.
Comment: Variant identified in a genome or exome case(s) and assessed due to predicted null impact of the variant or pathogenic assertions in the literature or databases. Disclaimer: This variant has not undergone full assessment. The following are preliminary notes: Frequency

Eurofins Ntd Llc (ga)
Classification: Benign. Last evaluated: 2016-03-22. Review status: criteria provided, single submitter. Criteria: EGL Classification Definitions 2015. Collection method: clinical testing. Allele origin: germline. Observed: 2 variant alleles, 2 heterozygotes.

Breakthrough Genomics
Classification: Likely benign. Review status: criteria provided, single submitter. Criteria: ACMG Guidelines, 2015. Collection method: not provided. Allele origin: germline. Inheritance: Autosomal recessive inheritance. Affected: yes.

PreventionGenetics, part of Exact Sciences
Classification: Benign. Review status: criteria provided, single submitter. Criteria: ACMG Guidelines, 2015. Collection method: clinical testing. Allele origin: germline.